The following is an entry in ClinVar:

ClinVar aggregate classification (germline): Pathogenic (1 of 4 stars; one submission).

Submission:

Labcorp Genetics (formerly Invitae), Labcorp
Classification: Pathogenic. Last evaluated: 2024-06-28. Review status: criteria provided, single submitter. Criteria: Invitae Variant Classification Sherloc (09022015). Collection method: clinical testing. Allele origin: germline.
Comment: This sequence change creates a premature translational stop signal (p.Lys947*) in the MSH3 gene. It is expected to result in an absent or disrupted protein product. Loss-of-function variants in MSH3 are known to be pathogenic (PMID: 27476653, 37402566). This variant is not present in population databases (gnomAD no frequency). This variant has not been reported in the literature in individuals affected with MSH3-related conditions. For these reasons, this variant has been classified as Pathogenic.

Literature cited by the submitters: PubMed 27476653; PubMed 37402566.

NM_002439.5(MSH3):c.2839A>T (p.Lys947Ter)

Gene: MSH3 (mutS homolog 3; plus strand). Cytogenetic location: 5q14.1.
Variant type: single nucleotide variant.
Coding change: c.2839A>T on transcript NM_002439.5 (MANE Select); coding-DNA position 2839, A replaced by T.
Protein change: p.Lys947Ter; replaces lysine 947 with a stop codon.
Molecular consequence: nonsense.
Genome position (GRCh38, 1-based): chr5:80,854,155, A>T. VCF-style: chr5-80854155-A-T. GRCh37 (hg19) VCF-style: chr5-80149974-A-T.
Other names: short protein forms K947*.
Identifiers: ClinVar variation 3698248 (VCV003698248.2).